The following is an entry in ClinVar:

NM_006361.6(HOXB13):c.275T>C (p.Val92Ala)

Gene: HOXB13 (homeobox B13; minus strand). Cytogenetic location: 17q21.32.
Variant type: single nucleotide variant.
Coding change: c.275T>C on transcript NM_006361.6 (MANE Select); coding-DNA position 275, T replaced by C.
Protein change: p.Val92Ala; replaces valine 92 with alanine.
Molecular consequence: missense variant.
Genome position (GRCh38, 1-based): chr17:48,728,319, A>G on the plus strand (T>C on the coding strand, the complement: HOXB13 is on the minus strand). VCF-style: chr17-48728319-A-G. GRCh37 (hg19) VCF-style: chr17-46805681-A-G.
Other names: short protein forms V92A.
Identifiers: ClinVar variation 1795675 (VCV001795675.3), dbSNP rs2509515528, ClinGen allele CA400107786.

ClinVar aggregate classification (germline): Uncertain significance (1 of 4 stars; one submission).

Conditions:
Hereditary cancer-predisposing syndrome. Also called: Tumor predisposition; Hereditary Cancer Syndrome; Neoplastic Syndromes, Hereditary; Hereditary neoplastic syndrome. Identifiers: Orphanet 140162, MedGen C0027672, MeSH D009386, MONDO:0015356.

Submission:

Ambry Genetics
Classification: Uncertain significance for Hereditary cancer-predisposing syndrome. Last evaluated: 2025-07-12. Review status: criteria provided, single submitter. Criteria: Ambry Variant Classification Scheme 2023. Collection method: clinical testing. Allele origin: germline.
Comment: The p.V92A variant (also known as c.275T>C), located in coding exon 1 of the HOXB13 gene, results from a T to C substitution at nucleotide position 275. The valine at codon 92 is replaced by alanine, an amino acid with similar properties. This amino acid position is conserved. In addition, this alteration is predicted to be tolerated by in silico analysis. Since supporting evidence is limited at this time, the clinical significance of this alteration remains unclear.